The following is an entry in ClinVar:

NM_031276.3(TEX11):c.1593C>G (p.Ala531=)

Gene: TEX11 (testis expressed 11; minus strand). Cytogenetic location: Xq13.1.
Variant type: single nucleotide variant.
Coding change: c.1593C>G on transcript NM_031276.3 (MANE Select); coding-DNA position 1593, C replaced by G.
Protein change: p.Ala531=; no amino-acid change (alanine 531 retained).
Molecular consequence: synonymous variant.
Genome position (GRCh38, 1-based): chrX:70,629,626, G>C on the plus strand (C>G on the coding strand, the complement: TEX11 is on the minus strand). VCF-style: chrX-70629626-G-C. GRCh37 (hg19) VCF-style: chrX-69849476-G-C.
Other names: c.1638C>G, p.Ala546= (NM_001003811.2).
Identifiers: ClinVar variation 2660831 (VCV002660831.24), dbSNP rs370307636, ClinGen allele CA10442649.
Genomic context (GRCh38, chrX:70,629,626, plus strand): 5'-AAGGAAAAGGGATAAAAATCTAGTAGATGAATACATATGAATTACCTCTAGAGCAAACTG[G>C]GCAGCTAAACTTAGAAGCATGGTAGGTGAACCTCTCTCTGCAACTAGATCATTATCTTCT-3'
Protein context (NP_112566.2, residues 521-541): GSPTMLLSLA[Ala531=]QFALENGQQI

ClinVar aggregate classification (germline): Likely benign (1 of 4 stars; one submission).

Allele frequency attached by ClinVar (database versions not stated): ESP Exome Variant Server 0.00019.
gnomAD v4.1: 90 of 1,206,237 alleles (0.0075%); highest among the groups gnomAD compares: Non-Finnish European, 0.0096%; no homozygotes.

Submission:

CeGaT Center for Human Genetics Tuebingen
Classification: Likely benign. Last evaluated: 2022-11-01. Review status: criteria provided, single submitter. Criteria: CeGaT Center For Human Genetics Tuebingen Variant Classification Criteria Version 2. Collection method: clinical testing. Allele origin: germline. Affected: yes. Observed: 1 variant allele.
Comment: TEX11: BP4, BP7, BS2